The following is an entry in ClinVar:

ClinVar aggregate classification (germline): Uncertain significance (1 of 4 stars; one submission).

Conditions:
Cystic fibrosis (CF). Also called: MUCOVISCIDOSIS. Identifiers: Orphanet 586, MedGen C0010674, MONDO:0009061, OMIM 219700. Disease mechanism: loss of function.

Allele frequency attached by ClinVar (database versions not stated): ExAC 0.00001; gnomAD exomes 0.00003.

Submission:

Labcorp Genetics (formerly Invitae), Labcorp
Classification: Uncertain significance for Cystic fibrosis. Last evaluated: 2022-08-05. Review status: criteria provided, single submitter. Criteria: Invitae Variant Classification Sherloc (09022015). Collection method: clinical testing. Allele origin: germline.
Comment: This sequence change replaces methionine, which is neutral and non-polar, with isoleucine, which is neutral and non-polar, at codon 150 of the CFTR protein (p.Met150Ile). This variant is present in population databases (rs752619770, gnomAD 0.002%). This variant has not been reported in the literature in individuals affected with CFTR-related conditions. Algorithms developed to predict the effect of missense changes on protein structure and function are either unavailable or do not agree on the potential impact of this missense change (SIFT: "Tolerated"; PolyPhen-2: "Possibly Damaging"; Align-GVGD: "Class C0"). In summary, the available evidence is currently insufficient to determine the role of this variant in disease. Therefore, it has been classified as a Variant of Uncertain Significance.

NM_000492.4(CFTR):c.450G>A (p.Met150Ile)

Gene: CFTR (CF transmembrane conductance regulator; plus strand). Cytogenetic location: 7q31.2.
Variant type: single nucleotide variant.
Coding change: c.450G>A on transcript NM_000492.4 (MANE Select); coding-DNA position 450, G replaced by A.
Protein change: p.Met150Ile; replaces methionine 150 with isoleucine.
Molecular consequence: missense variant.
Genome position (GRCh38, 1-based): chr7:117,531,075, G>A. VCF-style: chr7-117531075-G-A. GRCh37 (hg19) VCF-style: chr7-117171129-G-A.
Other names: short protein forms M150I.
Identifiers: ClinVar variation 2189662 (VCV002189662.1), dbSNP rs752619770, ClinGen allele CA4450722.
Genomic context (GRCh38, chr7:117,531,075, plus strand): 5'-CTTTATTGTGAGGACACTGCTCCTACACCCAGCCATTTTTGGCCTTCATCACATTGGAAT[G>A]CAGATGAGAATAGCTATGTTTAGTTTGATTTATAAGAAGGTAATACTTCCTTGCACAGGC-3'
Protein context (NP_000483.3, residues 140-160): PAIFGLHHIG[Met150Ile]QMRIAMFSLI